The following is an entry in ClinVar:

NM_001195518.2(MICU1):c.356G>A (p.Arg119Gln)

Gene: MICU1 (mitochondrial calcium uptake 1; minus strand). Cytogenetic location: 10q22.1.
Variant type: single nucleotide variant.
Coding change: c.356G>A on transcript NM_001195518.2 (MANE Select); coding-DNA position 356, G replaced by A.
Protein change: p.Arg119Gln; replaces arginine 119 with glutamine.
Molecular consequence: missense variant.
Genome position (GRCh38, 1-based): chr10:72,551,316, C>T on the plus strand (G>A on the coding strand, the complement: MICU1 is on the minus strand). VCF-style: chr10-72551316-C-T. GRCh37 (hg19) VCF-style: chr10-74311074-C-T.
Other names: c.356G>A, p.Arg119Gln (NM_001363513.2, NM_006077.4); short protein forms R119Q.
Identifiers: ClinVar variation 1936187 (VCV001936187.2), dbSNP rs767831720, ClinGen allele CA5550289.
Genomic context (GRCh38, chr10:72,551,316, plus strand): 5'-TCACTGATGACTTTCAAGGTGGCAAAATATCGGAAGATTTTGTCTGGCGTGGAGTAGGCT[C>T]GAATCCTATTCTCATATTCCATCACCTAAAGTTAGAAATTTAGAAAGTGTTACTATATTA-3'
Protein context (NP_001182447.1, residues 109-129): RKVMEYENRI[Arg119Gln]AYSTPDKIFR

ClinVar aggregate classification (germline): Uncertain significance (1 of 4 stars; one submission).

Allele frequency attached by ClinVar (database versions not stated): gnomAD 0.00001; TOPMed 0.00002; ExAC 0.00003; gnomAD exomes 0.00003.
gnomAD v4.1: 53 of 1,610,416 alleles (0.0033%); highest among the groups gnomAD compares: Non-Finnish European, 0.0041%; no homozygotes.

Submission:

Labcorp Genetics (formerly Invitae), Labcorp
Classification: Uncertain significance. Last evaluated: 2022-08-22. Review status: criteria provided, single submitter. Criteria: Invitae Variant Classification Sherloc (09022015). Collection method: clinical testing. Allele origin: germline.
Comment: This sequence change replaces arginine, which is basic and polar, with glutamine, which is neutral and polar, at codon 119 of the MICU1 protein (p.Arg119Gln). This variant is present in population databases (rs767831720, gnomAD 0.005%). This variant has not been reported in the literature in individuals affected with MICU1-related conditions. Algorithms developed to predict the effect of missense changes on protein structure and function are either unavailable or do not agree on the potential impact of this missense change (SIFT: "Deleterious"; PolyPhen-2: "Not Available"; Align-GVGD: "Class C35"). In summary, the available evidence is currently insufficient to determine the role of this variant in disease. Therefore, it has been classified as a Variant of Uncertain Significance.